The following is an entry in ClinVar:

NM_000257.4(MYH7):c.4894G>T (p.Ala1632Ser)

Genes: MHRT (myosin heavy chain associated RNA transcript; plus strand), MYH7 (myosin heavy chain 7; minus strand), LOC126861897 (BRD4-independent group 4 enhancer GRCh37_chr14:23884455-23885654; plus strand). Cytogenetic location: 14q11.2.
Variant type: single nucleotide variant.
Coding change: c.4894G>T on transcript NM_000257.4 (MANE Select); coding-DNA position 4894, G replaced by T.
Protein change: p.Ala1632Ser; replaces alanine 1632 with serine.
Molecular consequence: missense variant. On other transcripts: non-coding transcript variant (1).
Genome position (GRCh38, 1-based): chr14:23,416,063, C>A on the plus strand (G>T on the coding strand, the complement: MYH7 is on the minus strand). VCF-style: chr14-23416063-C-A. GRCh37 (hg19) VCF-style: chr14-23885272-C-A.
Other names: c.4894G>T, p.Ala1632Ser (NM_001407004.1); short protein forms A1632S.
Identifiers: ClinVar variation 2093230 (VCV002093230.3), dbSNP rs565663412, ClinGen allele CA389037404.

ClinVar aggregate classification (germline): Uncertain significance (1 of 4 stars; one submission).

Conditions:
Hypertrophic cardiomyopathy. Also called: HYPERTROPHIC MYOCARDIOPATHY. Identifiers: Orphanet 217569, MedGen C0007194, MeSH D002312, MONDO:0005045, HP:0001639.

Submission:

Labcorp Genetics (formerly Invitae), Labcorp
Classification: Uncertain significance for Hypertrophic cardiomyopathy. Last evaluated: 2023-05-20. Review status: criteria provided, single submitter. Criteria: Invitae Variant Classification Sherloc (09022015). Collection method: clinical testing. Allele origin: germline.
Comment: Advanced modeling of protein sequence and biophysical properties (such as structural, functional, and spatial information, amino acid conservation, physicochemical variation, residue mobility, and thermodynamic stability) has been performed at Invitae for this missense variant, however the output from this modeling did not meet the statistical confidence thresholds required to predict the impact of this variant on MYH7 protein function. In summary, the available evidence is currently insufficient to determine the role of this variant in disease. Therefore, it has been classified as a Variant of Uncertain Significance. This sequence change replaces alanine, which is neutral and non-polar, with serine, which is neutral and polar, at codon 1632 of the MYH7 protein (p.Ala1632Ser). This variant is not present in population databases (gnomAD no frequency). This variant has not been reported in the literature in individuals affected with MYH7-related conditions. ClinVar contains an entry for this variant (Variation ID: 2093230).